The following is an entry in ClinVar:

NM_171998.4(RAB39B):c.511A>G (p.Ile171Val)

Gene: RAB39B (RAB39B, member RAS oncogene family; minus strand). Cytogenetic location: Xq28.
Variant type: single nucleotide variant.
Coding change: c.511A>G on transcript NM_171998.4 (MANE Select); coding-DNA position 511, A replaced by G.
Protein change: p.Ile171Val; replaces isoleucine 171 with valine.
Molecular consequence: missense variant.
Genome position (GRCh38, 1-based): chrX:155,260,934, T>C on the plus strand (A>G on the coding strand, the complement: RAB39B is on the minus strand). VCF-style: chrX-155260934-T-C. GRCh37 (hg19) VCF-style: chrX-154490219-T-C.
Other names: short protein forms I171V.
Identifiers: ClinVar variation 3764754 (VCV003764754.1).

ClinVar aggregate classification (germline): Uncertain significance (1 of 4 stars; one submission).

Conditions:
Intellectual developmental disorder, X-linked 72. Also called: Intellectual disability, X-linked 72. Identifiers: Orphanet 777, MedGen C1846038, MONDO:0010289, OMIM 300271.

Submission:

Department of Human Genetics, Hannover Medical School
Classification: Uncertain significance for Intellectual developmental disorder, X-linked 72. Last evaluated: 2025-02-28. Review status: criteria provided, single submitter. Criteria: ACMG Guidelines, 2015. Collection method: clinical testing. Allele origin: germline. Affected: yes.
Comment: ACMG: PM2_Supporting